The following is an entry in ClinVar:

NM_000059.4(BRCA2):c.5791_5806del (p.Gln1931fs)

Gene: BRCA2 (BRCA2 DNA repair associated; plus strand). Cytogenetic location: 13q13.1.
Variant type: Deletion.
Coding change: c.5791_5806del on transcript NM_000059.4 (MANE Select); coding-DNA positions 5791 to 5806, 16 bases deleted (CAACATAACCAAAATA).
Protein change: p.Gln1931fs; shifts the reading frame from glutamine 1931.
Molecular consequence: frameshift variant. On other transcripts: non-coding transcript variant (1), intron variant (2).
Genome position (GRCh38, 1-based): chr13:32,340,146-32,340,161, CAACATAACCAAAATA deleted; deleting any 16 consecutive bases within chr13:32,340,144-32,340,161 gives the same sequence; the c. name uses the placement nearest the transcript's 3' end. VCF-style (leftmost placement, unchanged base first): chr13-32340143-TTACAACATAACCAAAA-T. GRCh37 (hg19) VCF-style: chr13-32914280-TTACAACATAACCAAAA-T.
Other names: c.5791_5806del, p.Gln1931fs (NM_001406719.1, NM_001406720.1, NM_001432077.1); c.1910-4412_1910-4397del (NM_001406721.1); c.425-4412_425-4397del (NM_001406722.1); short protein forms Q1931fs.
Identifiers: ClinVar variation 3482000 (VCV003482000.1).

ClinVar aggregate classification (germline): Pathogenic (1 of 4 stars; one submission).

Conditions:
Hereditary cancer-predisposing syndrome. Also called: Tumor predisposition; Neoplastic Syndromes, Hereditary; Hereditary Cancer Syndrome; Hereditary neoplastic syndrome. Identifiers: Orphanet 140162, MedGen C0027672, MeSH D009386, MONDO:0015356.

Submission:

Ambry Genetics
Classification: Pathogenic for Hereditary cancer-predisposing syndrome. Last evaluated: 2024-07-08. Review status: criteria provided, single submitter. Criteria: Ambry Variant Classification Scheme 2023. Collection method: clinical testing. Allele origin: germline.
Comment: The c.5791_5806del16 pathogenic mutation, located in coding exon 10 of the BRCA2 gene, results from a deletion of 16 nucleotides at nucleotide positions 5791 to 5806, causing a translational frameshift with a predicted alternate stop codon (p.Q1931Cfs*27). This variant is considered to be rare based on population cohorts in the Genome Aggregation Database (gnomAD). This alteration is expected to result in loss of function by premature protein truncation or nonsense-mediated mRNA decay. As such, this alteration is interpreted as a disease-causing mutation.